The following is an entry in ClinVar:

ClinVar aggregate classification (germline): Uncertain significance. Review status: criteria provided, multiple submitters, no conflicts (2 of 4 stars). 2 submissions from 2 submitters: Uncertain significance (2). Last evaluated 2025-10-07.

Allele frequency attached by ClinVar (database versions not stated): gnomAD exomes 0.00001 and 0.00002; ExAC 0.00002; TOPMed 0.00004; gnomAD 0.00006 and 0.00007; ESP Exome Variant Server 0.00015; 1000 Genomes Project 30x 0.00016; 1000 Genomes Project 0.00020.

Submissions (2):

Labcorp Genetics (formerly Invitae), Labcorp
Classification: Uncertain significance. Last evaluated: 2025-10-07. Review status: criteria provided, single submitter. Criteria: Invitae Variant Classification Sherloc (09022015). Collection method: clinical testing. Allele origin: germline.
Comment: This sequence change replaces arginine, which is basic and polar, with cysteine, which is neutral and slightly polar, at codon 232 of the SAMD9L protein (p.Arg232Cys). This variant is present in population databases (rs141294380, gnomAD 0.02%). This variant has not been reported in the literature in individuals affected with SAMD9L-related conditions. ClinVar contains an entry for this variant (Variation ID: 1361076). An algorithm developed to predict the effect of missense changes on protein structure and function (PolyPhen-2) suggests that this variant is likely to be disruptive. In summary, the available evidence is currently insufficient to determine the role of this variant in disease. Therefore, it has been classified as a Variant of Uncertain Significance.

GeneDx
Classification: Uncertain significance. Last evaluated: 2023-01-18. Review status: criteria provided, single submitter. Criteria: GeneDx Variant Classification Process June 2021. Collection method: clinical testing. Allele origin: germline. Affected: yes.
Comment: Not observed at significant frequency in large population cohorts (gnomAD); In silico analysis supports that this missense variant has a deleterious effect on protein structure/function; Has not been previously published as pathogenic or benign to our knowledge; This variant is associated with the following publications: (PMID: 28545555)

NM_152703.5(SAMD9L):c.694C>T (p.Arg232Cys)

Gene: SAMD9L (sterile alpha motif domain containing 9 like; minus strand). Cytogenetic location: 7q21.2.
Variant type: single nucleotide variant.
Coding change: c.694C>T on transcript NM_152703.5 (MANE Select); coding-DNA position 694, C replaced by T.
Protein change: p.Arg232Cys; replaces arginine 232 with cysteine.
Molecular consequence: missense variant.
Genome position (GRCh38, 1-based): chr7:93,135,278, G>A on the plus strand (C>T on the coding strand, the complement: SAMD9L is on the minus strand). VCF-style: chr7-93135278-G-A. GRCh37 (hg19) VCF-style: chr7-92764591-G-A.
Other names: c.694C>T, p.Arg232Cys (NM_001303496.3, NM_001303497.3, NM_001303498.3 and 5 more transcripts); c.694C>T (NM_152703.3); short protein forms R232C.
Identifiers: ClinVar variation 1361076 (VCV001361076.8), dbSNP rs141294380, ClinGen allele CA4343832.